The following is an entry in ClinVar:

NM_000890.5(KCNJ5):c.437C>A (p.Thr146Asn)

Gene: KCNJ5 (potassium inwardly rectifying channel subfamily J member 5; plus strand). Cytogenetic location: 11q24.3.
Variant type: single nucleotide variant.
Coding change: c.437C>A on transcript NM_000890.5 (MANE Select); coding-DNA position 437, C replaced by A.
Protein change: p.Thr146Asn; replaces threonine 146 with asparagine.
Molecular consequence: missense variant.
Genome position (GRCh38, 1-based): chr11:128,911,710, C>A. VCF-style: chr11-128911710-C-A. GRCh37 (hg19) VCF-style: chr11-128781605-C-A.
Other names: c.437C>A, p.Thr146Asn (NM_001354169.2); short protein forms T146N.
Identifiers: ClinVar variation 2449076 (VCV002449076.2), dbSNP rs1184251061, ClinGen allele CA383248016.

ClinVar aggregate classification (germline): Uncertain significance (1 of 4 stars; one submission).

Conditions:
Cardiovascular phenotype. Identifiers: MedGen CN230736.

Allele frequency attached by ClinVar (database versions not stated): gnomAD exomes below 0.00001; TOPMed below 0.00001; gnomAD 0.00001.
gnomAD v4.1: 2 of 1,614,060 alleles (0.00012%); highest among the groups gnomAD compares: African/African-American, 0.0013%; no homozygotes.

Submission:

Ambry Genetics
Classification: Uncertain significance for Cardiovascular phenotype. Last evaluated: 2023-01-06. Review status: criteria provided, single submitter. Criteria: Ambry Variant Classification Scheme 2023. Collection method: clinical testing. Allele origin: germline.
Comment: The p.T146N variant (also known as c.437C>A), located in coding exon 1 of the KCNJ5 gene, results from a C to A substitution at nucleotide position 437. The threonine at codon 146 is replaced by asparagine, an amino acid with similar properties. This amino acid position is highly conserved in available vertebrate species. In addition, this alteration is predicted to be deleterious by in silico analysis. Since supporting evidence is limited at this time, the clinical significance of this alteration remains unclear.